The following is an entry in ClinVar:

NM_006180.6(NTRK2):c.2168A>C (p.Tyr723Ser)

Gene: NTRK2 (neurotrophic receptor tyrosine kinase 2; plus strand). Cytogenetic location: 9q21.33.
Variant type: single nucleotide variant.
Coding change: c.2168A>C on transcript NM_006180.6 (MANE Select); coding-DNA position 2168, A replaced by C.
Protein change: p.Tyr723Ser; replaces tyrosine 723 with serine.
Molecular consequence: missense variant.
Genome position (GRCh38, 1-based): chr9:84,955,513, A>C. VCF-style: chr9-84955513-A-C. GRCh37 (hg19) VCF-style: chr9-87570428-A-C.
Other names: c.2120A>C, p.Tyr707Ser (NM_001018064.3, NM_001369532.1, NM_001369533.1); c.2084A>C, p.Tyr695Ser (NM_001369534.1); c.1652A>C, p.Tyr551Ser (NM_001369535.1); c.1700A>C, p.Tyr567Ser (NM_001369536.1); c.2168A>C, p.Tyr723Ser (NM_001381928.1); short protein forms Y551S, Y567S, Y695S, Y707S, Y723S.
Identifiers: ClinVar variation 3068727 (VCV003068727.1), dbSNP rs2132979910, ClinGen allele CA374010402.

ClinVar aggregate classification (germline): Uncertain significance (1 of 4 stars; one submission).

Conditions:
Obesity, hyperphagia, and developmental delay (OBHD). Identifiers: Orphanet 99704, MedGen C3151303, MONDO:0013483, OMIM 613886.

Submission:

Institute of Human Genetics, University of Leipzig Medical Center
Classification: Uncertain significance for Obesity, hyperphagia, and developmental delay. Last evaluated: 2024-02-13. Review status: criteria provided, single submitter. Criteria: ACMG Guidelines, 2015. Collection method: clinical testing. Allele origin: de novo. Inheritance: Autosomal dominant inheritance. Affected: yes. Observed: 1 variant allele.
Comment: Criteria applied: PS2_Mod, PM2_Sup, PP2, PP3